The following is an entry in ClinVar:

ClinVar aggregate classification (germline): Uncertain significance (1 of 4 stars; one submission).

gnomAD v4.1: 9 of 1,614,118 alleles (0.00056%); highest among the groups gnomAD compares: Non-Finnish European, 0.00076%; no homozygotes.

Submission:

Labcorp Genetics (formerly Invitae), Labcorp
Classification: Uncertain significance. Last evaluated: 2025-02-24. Review status: criteria provided, single submitter. Criteria: Invitae Variant Classification Sherloc (09022015). Collection method: clinical testing. Allele origin: germline.
Comment: This sequence change replaces threonine, which is neutral and polar, with lysine, which is basic and polar, at codon 216 of the SFRP4 protein (p.Thr216Lys). This variant is not present in population databases (gnomAD no frequency). This variant has not been reported in the literature in individuals affected with SFRP4-related conditions. An algorithm developed to predict the effect of missense changes on protein structure and function (PolyPhen-2) suggests that this variant is likely to be disruptive. In summary, the available evidence is currently insufficient to determine the role of this variant in disease. Therefore, it has been classified as a Variant of Uncertain Significance.

NM_003014.4(SFRP4):c.647C>A (p.Thr216Lys)

Gene: SFRP4 (secreted frizzled related protein 4; minus strand). Cytogenetic location: 7p14.1.
Variant type: single nucleotide variant.
Coding change: c.647C>A on transcript NM_003014.4 (MANE Select); coding-DNA position 647, C replaced by A.
Protein change: p.Thr216Lys; replaces threonine 216 with lysine.
Molecular consequence: missense variant.
Genome position (GRCh38, 1-based): chr7:37,912,263, G>T on the plus strand (C>A on the coding strand, the complement: SFRP4 is on the minus strand). VCF-style: chr7-37912263-G-T. GRCh37 (hg19) VCF-style: chr7-37951865-G-T.
Other names: short protein forms T216K.
Identifiers: ClinVar variation 3681596 (VCV003681596.2).
Genomic context (GRCh38, chr7:37,912,263, plus strand): 5'-GGGACTTGAGTTCGAGGGATGGGTGATGAGGACTTGAAGATCTCTTTTACATCCACCACC[G>T]TTGTGACCTCATTGCAGCCACTCCTCTGCACAGCTTTTATTTTGGCATGAATAACTGCAA-3'
Protein context (NP_003005.2, residues 206-226): VQRSGCNEVT[Thr216Lys]VVDVKEIFKS